The following is an entry in ClinVar:

NM_001366385.1(CARD14):c.199G>A (p.Ala67Thr)

Gene: CARD14 (caspase recruitment domain family member 14; plus strand). Cytogenetic location: 17q25.3.
Variant type: single nucleotide variant.
Coding change: c.199G>A on transcript NM_001366385.1 (MANE Select); coding-DNA position 199, G replaced by A.
Protein change: p.Ala67Thr; replaces alanine 67 with threonine.
Molecular consequence: missense variant. On other transcripts: non-coding transcript variant (1).
Genome position (GRCh38, 1-based): chr17:80,181,637, G>A. VCF-style: chr17-80181637-G-A. GRCh37 (hg19) VCF-style: chr17-78155436-G-A.
Other names: c.199G>A, p.Ala67Thr (NM_001257970.1, NM_024110.4); short protein forms A67T.
Identifiers: ClinVar variation 2935683 (VCV002935683.3), dbSNP rs770888241, ClinGen allele CA294855887.

ClinVar aggregate classification (germline): Uncertain significance (1 of 4 stars; one submission).

Conditions:
Psoriasis 2. Identifiers: MedGen C1864497, MONDO:0011269, OMIM 602723.
Pityriasis rubra pilaris (PRP). Also called: Pityriasis rubra pilaris--familial type. Identifiers: Orphanet 2897, MedGen C0032027, MONDO:0100017, OMIM 173200, MONDO:0008251.

gnomAD v4.1: 25 of 1,548,038 alleles (0.0016%); highest among the groups gnomAD compares: Admixed American, 0.0039%; no homozygotes.

Submission:

Labcorp Genetics (formerly Invitae), Labcorp
Classification: Uncertain significance for Pityriasis rubra pilaris; Psoriasis 2. Last evaluated: 2025-09-21. Review status: criteria provided, single submitter. Criteria: Invitae Variant Classification Sherloc (09022015). Collection method: clinical testing. Allele origin: germline.
Comment: This sequence change replaces alanine, which is neutral and non-polar, with threonine, which is neutral and polar, at codon 67 of the CARD14 protein (p.Ala67Thr). The frequency data for this variant in the population databases is considered unreliable, as metrics indicate poor data quality at this position in the gnomAD database. This variant has not been reported in the literature in individuals affected with CARD14-related conditions. ClinVar contains an entry for this variant (Variation ID: 2935683). Invitae Evidence Modeling of protein sequence and biophysical properties (such as structural, functional, and spatial information, amino acid conservation, physicochemical variation, residue mobility, and thermodynamic stability) indicates that this missense variant is not expected to disrupt CARD14 protein function with a negative predictive value of 95%. In summary, the available evidence is currently insufficient to determine the role of this variant in disease. Therefore, it has been classified as a Variant of Uncertain Significance.